The following is an entry in ClinVar:

NM_001040616.3(LINS1):c.2183A>G (p.Lys728Arg)

Gene: LINS1 (lines homolog 1; minus strand). Cytogenetic location: 15q26.3.
Variant type: single nucleotide variant.
Coding change: c.2183A>G on transcript NM_001040616.3 (MANE Select); coding-DNA position 2183, A replaced by G.
Protein change: p.Lys728Arg; replaces lysine 728 with arginine.
Molecular consequence: missense variant. On other transcripts: non-coding transcript variant (3).
Genome position (GRCh38, 1-based): chr15:100,569,329, T>C on the plus strand (A>G on the coding strand, the complement: LINS1 is on the minus strand). VCF-style: chr15-100569329-T-C. GRCh37 (hg19) VCF-style: chr15-101109534-T-C.
Other names: c.1436A>G, p.Lys479Arg (NM_001352507.2); c.2030A>G, p.Lys677Arg (NM_001352508.2); short protein forms K479R, K677R, K728R.
Identifiers: ClinVar variation 1800365 (VCV001800365.2), dbSNP rs2037669614, ClinGen allele CA393944859.

ClinVar aggregate classification (germline): Uncertain significance (1 of 4 stars; one submission).

Conditions:
Inborn genetic diseases. Identifiers: MedGen C0950123, MeSH D030342.

Allele frequency attached by ClinVar (database versions not stated): gnomAD exomes below 0.00001.
gnomAD v4.1: 1 of 1,614,142 alleles (0.000062%); highest among the groups gnomAD compares: Middle Eastern, 0.016%; no homozygotes.

Submission:

Ambry Genetics
Classification: Uncertain significance for Inborn genetic diseases. Last evaluated: 2018-10-04. Review status: criteria provided, single submitter. Criteria: Ambry Variant Classification Scheme 2023. Collection method: clinical testing. Allele origin: germline.
Comment: The p.K728R variant (also known as c.2183A>G), located in coding exon 6 of the LINS gene, results from an A to G substitution at nucleotide position 2183. The lysine at codon 728 is replaced by arginine, an amino acid with highly similar properties. This amino acid position is not well conserved in available vertebrate species, and arginine is the reference amino acid in other vertebrate species. In addition, this alteration is predicted to be tolerated by in silico analysis. Since supporting evidence is limited at this time, the clinical significance of this alteration remains unclear.